The following is an entry in ClinVar:

ClinVar aggregate classification (germline): Uncertain significance (1 of 4 stars; one submission).

gnomAD v4.1: 5 of 1,600,166 alleles (0.00031%); highest among the groups gnomAD compares: Non-Finnish European, 0.00043%; no homozygotes.

Submission:

Ambry Genetics
Classification: Uncertain significance. Last evaluated: 2026-02-21. Review status: criteria provided, single submitter. Criteria: Ambry Variant Classification Scheme 2023. Collection method: clinical testing. Allele origin: germline.
Comment: The p.K391R variant (also known as c.1172A>G), located in coding exon 12 of the SRP72 gene, results from an A to G substitution at nucleotide position 1172. The lysine at codon 391 is replaced by arginine, an amino acid with highly similar properties. This amino acid position is conserved. In addition, this alteration is predicted to be tolerated by in silico analysis. Based on the available evidence, the clinical significance of this variant remains unclear.

NM_006947.4(SRP72):c.1172A>G (p.Lys391Arg)

Gene: SRP72 (signal recognition particle 72; plus strand). Cytogenetic location: 4q12.
Variant type: single nucleotide variant.
Coding change: c.1172A>G on transcript NM_006947.4 (MANE Select); coding-DNA position 1172, A replaced by G.
Protein change: p.Lys391Arg; replaces lysine 391 with arginine.
Molecular consequence: missense variant. On other transcripts: non-coding transcript variant (1).
Genome position (GRCh38, 1-based): chr4:56,487,961, A>G. VCF-style: chr4-56487961-A-G. GRCh37 (hg19) VCF-style: chr4-57354127-A-G.
Other names: c.989A>G, p.Lys330Arg (NM_001267722.2); short protein forms K330R, K391R.
Identifiers: ClinVar variation 4844215 (VCV004844215.1).